The following is an entry in ClinVar:

ClinVar aggregate classification (germline): Uncertain significance (1 of 4 stars; one submission).

Conditions:
PACS1-related disorder. Also called: PACS1-related condition.

Submission:

PreventionGenetics, part of Exact Sciences
Classification: Uncertain significance for PACS1-related condition. Last evaluated: 2026-02-26. Review status: criteria provided, single submitter. Criteria: ACMG Guidelines, 2015. Collection method: clinical testing. Allele origin: germline.
Comment: The PACS1 c.1544_1545dupAG variant is predicted to result in a frameshift and premature protein termination (p.Arg516Serfs*8). To our knowledge, this variant has not been reported in the literature or in a large population database (gnomAD), indicating this variant is rare. At this time, the clinical significance of this variant is uncertain due to the absence of conclusive functional and genetic evidence.

NM_018026.4(PACS1):c.1544_1545dup (p.Arg516fs)

Gene: PACS1 (phosphofurin acidic cluster sorting protein 1; plus strand). Cytogenetic location: 11q13.2.
Variant type: Duplication.
Coding change: c.1544_1545dup on transcript NM_018026.4 (MANE Select); coding-DNA positions 1544 to 1545, 2 bases duplicated (AG; older notation c.1544_1545dupAG).
Protein change: p.Arg516fs; shifts the reading frame from arginine 516.
Molecular consequence: frameshift variant.
Genome position (GRCh38, 1-based): chr11:66,230,858-66,230,859, AG duplicated; duplicating any 2 consecutive bases within chr11:66,230,857-66,230,859 gives the same sequence; the c. name uses the placement nearest the transcript's 3' end. VCF-style (leftmost placement, unchanged base first): chr11-66230856-G-GGA. GRCh37 (hg19) VCF-style: chr11-65998327-G-GGA.
Other names: short protein forms R516fs.
Identifiers: ClinVar variation 4982346 (VCV004982346.1).